The following is an entry in ClinVar:

NM_001365693.1(MGAM):c.5043T>C (p.Arg1681=)

Gene: MGAM (maltase-glucoamylase; plus strand). Cytogenetic location: 7q34.
Variant type: single nucleotide variant.
Coding change: c.5043T>C on transcript NM_001365693.1 (MANE Select); coding-DNA position 5043, T replaced by C.
Protein change: p.Arg1681=; no amino-acid change (arginine 1681 retained).
Molecular consequence: synonymous variant. On other transcripts: intron variant (1).
Genome position (GRCh38, 1-based): chr7:142,068,685, T>C. VCF-style: chr7-142068685-T-C. GRCh37 (hg19) VCF-style: chr7-141768485-T-C.
Other names: c.4618+3217T>C (NM_004668.3).
Identifiers: ClinVar variation 4987027 (VCV004987027.1).
Genomic context (GRCh38, chr7:142,068,685, plus strand): 5'-CCTTGTTTGTGTTTCATTTTAGAATGCCAGAAATGTCACTGCATATTTCCCTAGAGCCCG[T>C]TGGTACGATTACTACACGGTAAGTTTTTCTGAATGTTTATATAACACGGGAATGTGGTAG-3'
Protein context (NP_001352622.1, residues 1671-1691): RNVTAYFPRA[Arg1681=]WYDYYTGVDI

ClinVar aggregate classification (germline): Likely benign (1 of 4 stars; one submission).

Conditions:
MGAM-related disorder. Also called: MGAM-related condition.

Submission:

PreventionGenetics, part of Exact Sciences
Classification: Likely benign for MGAM-related condition. Last evaluated: 2024-11-15. Review status: criteria provided, single submitter. Criteria: ACMG Guidelines, 2015. Collection method: clinical testing. Allele origin: germline.
Comment: This variant is classified as likely benign based on ACMG/AMP sequence variant interpretation guidelines (Richards et al. 2015 PMID: 25741868, with internal and published modifications).